The following is an entry in ClinVar:

ClinVar aggregate classification (germline): Pathogenic (1 of 4 stars; one submission).

Conditions:
Inborn genetic diseases. Identifiers: MedGen C0950123, MeSH D030342.

Submission:

Ambry Genetics
Classification: Pathogenic for Inborn genetic diseases. Last evaluated: 2025-01-21. Review status: criteria provided, single submitter. Criteria: Ambry Variant Classification Scheme 2023. Collection method: clinical testing. Allele origin: germline.
Comment: The c.1316T>A (p.L439*) alteration, located in exon 13 (coding exon 13) of the KCNQ2 gene, consists of a T to A substitution at nucleotide position 1316. This changes the amino acid from a leucine (L) to a stop codon at amino acid position 439. This alteration is expected to result in loss of function by premature protein truncation or nonsense-mediated mRNA decay. This variant was not reported in population-based cohorts in the Genome Aggregation Database (gnomAD). Based on the available evidence, this alteration is classified as pathogenic.

NM_172107.4(KCNQ2):c.1316T>A (p.Leu439Ter)

Gene: KCNQ2 (potassium voltage-gated channel subfamily Q member 2; minus strand). Cytogenetic location: 20q13.33.
Variant type: single nucleotide variant.
Coding change: c.1316T>A on transcript NM_172107.4 (MANE Select); coding-DNA position 1316, T replaced by A.
Protein change: p.Leu439Ter; replaces leucine 439 with a stop codon.
Molecular consequence: nonsense. On other transcripts: intron variant (1).
Genome position (GRCh38, 1-based): chr20:63,415,112, A>T on the plus strand (T>A on the coding strand, the complement: KCNQ2 is on the minus strand). VCF-style: chr20-63415112-A-T. GRCh37 (hg19) VCF-style: chr20-62046465-A-T.
Other names: c.1262T>A, p.Leu421Ter (NM_001382235.1, NM_172106.3); c.1232T>A, p.Leu411Ter (NM_004518.6); c.1248-22T>A (NM_172108.5); short protein forms L411*, L421*, L439*.
Identifiers: ClinVar variation 3862993 (VCV003862993.1).
Genomic context (GRCh38, chr20:63,415,112, plus strand): 5'-TGCGGGGACCCCTTCCCCTTGGCAGCCACGCCTCGGGGGCTGGAGAAGACACGATCTTTC[A>T]AACTGACCTTCTGGCTGCTCCCACGGGAACCGACAGACAGACAGAAAAACAGGGAGAGAA-3'